The following is an entry in ClinVar:

ClinVar aggregate classification (germline): Uncertain significance (1 of 4 stars; one submission).

Allele frequency attached by ClinVar (database versions not stated): gnomAD 0.00001.
gnomAD v4.1: 1 of 1,613,608 alleles (0.000062%); highest among the groups gnomAD compares: Admixed American, 0.0017%; no homozygotes.

Submission:

Labcorp Genetics (formerly Invitae), Labcorp
Classification: Uncertain significance. Last evaluated: 2022-08-20. Review status: criteria provided, single submitter. Criteria: Invitae Variant Classification Sherloc (09022015). Collection method: clinical testing. Allele origin: germline.
Comment: In summary, the available evidence is currently insufficient to determine the role of this variant in disease. Therefore, it has been classified as a Variant of Uncertain Significance. Advanced modeling of protein sequence and biophysical properties (such as structural, functional, and spatial information, amino acid conservation, physicochemical variation, residue mobility, and thermodynamic stability) performed at Invitae indicates that this missense variant is not expected to disrupt COL11A1 protein function. This variant has not been reported in the literature in individuals affected with COL11A1-related conditions. This variant is not present in population databases (gnomAD no frequency). This sequence change replaces glutamine, which is neutral and polar, with arginine, which is basic and polar, at codon 81 of the COL11A1 protein (p.Gln81Arg).

NM_001854.4(COL11A1):c.242A>G (p.Gln81Arg)

Gene: COL11A1 (collagen type XI alpha 1 chain; minus strand). Cytogenetic location: 1p21.1.
Variant type: single nucleotide variant.
Coding change: c.242A>G on transcript NM_001854.4 (MANE Select); coding-DNA position 242, A replaced by G.
Protein change: p.Gln81Arg; replaces glutamine 81 with arginine.
Molecular consequence: missense variant. On other transcripts: non-coding transcript variant (1).
Genome position (GRCh38, 1-based): chr1:103,082,837, T>C on the plus strand (A>G on the coding strand, the complement: COL11A1 is on the minus strand). VCF-style: chr1-103082837-T-C. GRCh37 (hg19) VCF-style: chr1-103548393-T-C.
Other names: c.242A>G, p.Gln81Arg (NM_001168249.1, NM_001190709.2, NM_080629.3 and 1 more transcripts); short protein forms Q81R.
Identifiers: ClinVar variation 1717095 (VCV001717095.4), dbSNP rs1672519599, ClinGen allele CA341168502.